The following is an entry in ClinVar:

ClinVar aggregate classification (germline): Uncertain significance (1 of 4 stars; one submission).

Allele frequency attached by ClinVar (database versions not stated): gnomAD 0.00002; TOPMed 0.00002; gnomAD exomes 0.00003; ExAC 0.00005.
gnomAD v4.1: 45 of 1,612,804 alleles (0.0028%); highest among the groups gnomAD compares: East Asian, 0.1%; no homozygotes.

Submission:

Labcorp Genetics (formerly Invitae), Labcorp
Classification: Uncertain significance. Last evaluated: 2023-05-20. Review status: criteria provided, single submitter. Criteria: Invitae Variant Classification Sherloc (09022015). Collection method: clinical testing. Allele origin: germline.
Comment: In summary, the available evidence is currently insufficient to determine the role of this variant in disease. Therefore, it has been classified as a Variant of Uncertain Significance. Variants that disrupt the consensus splice site are a relatively common cause of aberrant splicing (PMID: 17576681, 9536098). Algorithms developed to predict the effect of sequence changes on RNA splicing suggest that this variant may disrupt the consensus splice site. This variant has not been reported in the literature in individuals affected with AK7-related conditions. This variant is present in population databases (rs768831247, gnomAD 0.1%), and has an allele count higher than expected for a pathogenic variant. This sequence change falls in intron 7 of the AK7 gene. It does not directly change the encoded amino acid sequence of the AK7 protein. It affects a nucleotide within the consensus splice site.

Literature cited by the submitters: PubMed 17576681; PubMed 9536098.

NM_152327.5(AK7):c.779+3A>G

Gene: AK7 (adenylate kinase 7; plus strand). Cytogenetic location: 14q32.2.
Variant type: single nucleotide variant.
Coding change: c.779+3A>G on transcript NM_152327.5 (MANE Select); 3 bases into the intron after coding-DNA position 779, A replaced by G.
Molecular consequence: intron variant.
Genome position (GRCh38, 1-based): chr14:96,442,821, A>G. VCF-style: chr14-96442821-A-G. GRCh37 (hg19) VCF-style: chr14-96909158-A-G.
Other names: c.779+3A>G (NM_001350888.2, NM_001350890.2, NM_001350892.2 and 1 more transcripts).
Identifiers: ClinVar variation 2907230 (VCV002907230.3), dbSNP rs768831247, ClinGen allele CA7337604.